The following is an entry in ClinVar:

ClinVar aggregate classification (germline): Likely pathogenic. Review status: criteria provided, multiple submitters, no conflicts (2 of 4 stars). 2 submissions from 2 submitters: Likely pathogenic (2). Last evaluated 2026-01-12.

Conditions:
TREX1-related disorder. Also called: TREX1-related condition; TREX1-related disorders. Identifiers: MedGen CN239414.

Submissions (2):

3billion
Classification: Likely pathogenic for TREX1-related disorder. Last evaluated: 2026-01-12. Review status: criteria provided, single submitter. Criteria: ACMG Guidelines, 2015. Collection method: clinical testing. Allele origin: germline. Affected: yes.
Comment: The variant is not observed in the gnomAD v4.1.0 dataset. Predicted Consequence/Location: Missense variant. The majority of the known disease-causing variants of this gene are variants expected to result in premature termination of the protein. In silico tool predictions suggest damaging effect of the variant on gene or gene product [REVEL: 0.81 (>=0.6, sensitivity 0.68 and specificity 0.92); 3Cnet: 0.76 (> 0.75, sensitivity 0.96 and precision 0.92)]. The same nucleotide change resulting in the same amino acid change has been previously reported to be associated with TREX1-related disorder (PMID: 20131292). The variant has been previously reported as assumed (i.e. paternity and maternity not confirmed) de novo in at least one similarly affected unrelated individual (PMID: 20131292). A different missense change at the same codon (p.Asp200Asn) has been reported to be associated with TREX1-related disorder (ClinVar ID: VCV000004184 /PMID: 17357087). Therefore, this variant is classified as Likely pathogenic according to the recommendation of ACMG/AMP guideline.

Blueprint Genetics
Classification: Likely pathogenic for TREX1-related disorders. Last evaluated: 2021-02-24. Review status: criteria provided, single submitter. Criteria: ACMG Guidelines, 2015. Collection method: clinical testing. Allele origin: germline. Affected: yes. Observed: 2 variant alleles.

Literature cited by the submitters: PubMed 20131292 (cited by 3billion); PubMed 17357087 (cited by 3billion).

NM_033629.6(TREX1):c.598G>C (p.Asp200His)

Genes: ATRIP (ATR interacting protein; plus strand), ATRIP-TREX1 (ATRIP-TREX1 readthrough; plus strand), TREX1 (three prime repair exonuclease 1; plus strand). Cytogenetic location: 3p21.31.
Variant type: single nucleotide variant.
Coding change: c.598G>C on transcript NM_033629.6 (MANE Select); coding-DNA position 598, G replaced by C.
Protein change: p.Asp200His; replaces aspartic acid 200 with histidine.
Molecular consequence: missense variant. On other transcripts: non-coding transcript variant (1), 3 prime UTR variant (4).
Genome position (GRCh38, 1-based): chr3:48,467,253, G>C. VCF-style: chr3-48467253-G-C. GRCh37 (hg19) VCF-style: chr3-48508652-G-C.
Other names: c.568G>C, p.Asp190His (NM_007248.5); c.*1699G>C (NM_001271022.2, NM_001271023.2, NM_032166.4 and 1 more transcripts); short protein forms D190H, D200H.
Identifiers: ClinVar variation 4855591 (VCV004855591.2).